The following is an entry in ClinVar:

NM_004329.3(BMPR1A):c.405dup (p.Pro136fs)

Gene: BMPR1A (bone morphogenetic protein receptor type 1A; plus strand). Cytogenetic location: 10q23.2.
Variant type: Duplication.
Coding change: c.405dup on transcript NM_004329.3 (MANE Select); coding-DNA position 405, one base duplicated (A; older notation c.405dupA).
Protein change: p.Pro136fs; shifts the reading frame from proline 136.
Molecular consequence: frameshift variant.
Genome position (GRCh38, 1-based): chr10:86,899,865, A duplicated; the last of 2 consecutive A bases (chr10:86,899,864-86,899,865); duplicating either gives the same sequence. VCF-style (leftmost placement, unchanged base first): chr10-86899863-C-CA. GRCh37 (hg19) VCF-style: chr10-88659620-C-CA.
Other names: c.405dupA (NM_004329.2); c.405dup (NM_004329.2); short protein forms P136fs.
Identifiers: ClinVar variation 233491 (VCV000233491.56), dbSNP rs876660442, ClinGen allele CA10578878.

ClinVar aggregate classification (germline): Pathogenic. Review status: criteria provided, multiple submitters, no conflicts (2 of 4 stars). 6 submissions from 6 submitters: Pathogenic (6). Last evaluated 2024-08-07.

Conditions:
Juvenile polyposis syndrome (JPS). Identifiers: Orphanet 2929, MedGen C0345893, MONDO:0017380, OMIM 174900.
Hereditary cancer-predisposing syndrome. Also called: Tumor predisposition; Hereditary Cancer Syndrome; Hereditary neoplastic syndrome; Neoplastic Syndromes, Hereditary. Identifiers: Orphanet 140162, MedGen C0027672, MeSH D009386, MONDO:0015356.

Submissions (6):

Ambry Genetics
Classification: Pathogenic for Hereditary cancer-predisposing syndrome. Last evaluated: 2024-08-07. Review status: criteria provided, single submitter. Criteria: Ambry Variant Classification Scheme 2023. Collection method: clinical testing. Allele origin: germline.
Comment: The c.405dupA pathogenic mutation, located in coding exon 4 of the BMPR1A gene, results from a duplication of A at nucleotide position 405, causing a translational frameshift with a predicted alternate stop codon (p.P136Tfs*13). This mutation has been previously identified in an individual with a clinical diagnosis of juvenile polyposis syndrome (JPS) (Pyatt RE, et al. J Mol Diagn 2006 Feb; 8(1):84-8). This variant is considered to be rare based on population cohorts in the Genome Aggregation Database (gnomAD). In addition to the clinical data presented in the literature, this alteration is expected to result in loss of function by premature protein truncation or nonsense-mediated mRNA decay. As such, this alteration is interpreted as a disease-causing mutation.

Labcorp Genetics (formerly Invitae), Labcorp
Classification: Pathogenic for Juvenile polyposis syndrome. Last evaluated: 2023-10-18. Review status: criteria provided, single submitter. Criteria: Invitae Variant Classification Sherloc (09022015). Collection method: clinical testing. Allele origin: germline.
Comment: This sequence change creates a premature translational stop signal (p.Pro136Thrfs*13) in the BMPR1A gene. It is expected to result in an absent or disrupted protein product. Loss-of-function variants in BMPR1A are known to be pathogenic (PMID: 11536076, 12417513). This variant is not present in population databases (gnomAD no frequency). This premature translational stop signal has been observed in individual(s) with clinical features of juvenile polyposis syndrome (PMID: 16436638). ClinVar contains an entry for this variant (Variation ID: 233491). For these reasons, this variant has been classified as Pathogenic.

GeneDx
Classification: Pathogenic. Last evaluated: 2023-07-25. Review status: criteria provided, single submitter. Criteria: GeneDx Variant Classification Process June 2021. Collection method: clinical testing. Allele origin: germline. Affected: yes.
Comment: Frameshift variant predicted to result in protein truncation or nonsense mediated decay in a gene for which loss of function is a known mechanism of disease; Not observed at significant frequency in large population cohorts (gnomAD); This variant is associated with the following publications: (PMID: 37400896, 16436638)

Color Diagnostics, LLC DBA Color Health
Classification: Pathogenic for Hereditary cancer-predisposing syndrome. Last evaluated: 2023-06-27. Review status: criteria provided, single submitter. Criteria: ACMG Guidelines, 2015. Collection method: clinical testing. Allele origin: germline.
Comment: This variant inserts 1 nucleotide in exon 6 of the BMPR1A gene, creating a frameshift and premature translation stop signal. This variant is expected to result in an absent or non-functional protein product. This variant has been reported in an individual affected with juvenile polyposis syndrome (PMID: 16436638). This variant has not been identified in the general population by the Genome Aggregation Database (gnomAD). Loss of BMPR1A function is a known mechanism of disease. Based on the available evidence, this variant is classified as Pathogenic.

Myriad Genetics, Inc.
Classification: Pathogenic for Juvenile polyposis syndrome. Last evaluated: 2023-05-26. Review status: criteria provided, single submitter. Criteria: Myriad Autosomal Dominant, Autosomal Recessive and X-Linked Classification Criteria (2023). Collection method: clinical testing. Allele origin: unknown.
Comment: This variant is considered pathogenic. This variant creates a frameshift predicted to result in premature protein truncation.

All of Us Research Program, National Institutes of Health
Classification: Pathogenic for Juvenile polyposis syndrome. Last evaluated: 2023-05-03. Review status: criteria provided, single submitter. Criteria: ACMG Guidelines, 2015. Collection method: clinical testing. Allele origin: germline. Inheritance: Autosomal dominant inheritance. Observed: 1 variant allele, 1 heterozygote.
Comment: The c.405dup (p.Pro136Thrfs*13) variant of the BMPR1A gene results in a premature termination codon that is predicted to lead to an absent or truncated protein product. Loss of function variants in BMPR1A are known to be pathogenic (PMID: 11381269, 15235019, 23399955, 11536076, 12417513). This variant has been reported in one individual with Juvenile Polyposis Syndrome (PMID: 16436638). Truncating variants downstream of this variant are reported to be pathogenic in the literature (PMID: 17873119) and by several ClinVar submitters (ClinVar ID: 1738567, 835681, 429099, 1750141). This variant is absent in the general population database (gnomAD). Therefore, the c.405dup (p.Pro136Thrfs*13) variant in the BMPR1A gene is classified as pathogenic.

This study involves interpretation of variants in research participants for the purpose of population health screening. Participant phenotype was not available at the time of variant classification. Additional details can be found in publication PMID: 35346344, PMCID: PMC8962531

Literature cited by the submitters: PubMed 16436638 (cited by 4 submitters); PubMed 11536076 (cited by Labcorp Genetics (formerly Invitae), Labcorp and All of Us Research Program, National Institutes of Health); PubMed 12417513 (cited by Labcorp Genetics (formerly Invitae), Labcorp and All of Us Research Program, National Institutes of Health); PubMed 11381269 (cited by All of Us Research Program, National Institutes of Health); PubMed 15235019 (cited by All of Us Research Program, National Institutes of Health); PubMed 17873119 (cited by All of Us Research Program, National Institutes of Health); PubMed 23399955 (cited by All of Us Research Program, National Institutes of Health).